The following is an entry in ClinVar:

ClinVar aggregate classification (germline): Pathogenic. Review status: criteria provided, multiple submitters, no conflicts (2 of 4 stars). 4 submissions from 4 submitters: Pathogenic (3). 1 of the submissions does not count toward it. Last evaluated 2024-02-06.

Conditions:
Osteogenesis imperfecta type 8 (OI8). Identifiers: MedGen C1970458, MONDO:0012581, OMIM 610915.

Allele frequency attached by ClinVar (database versions not stated): TOPMed below 0.00001; ExAC 0.00001.

Submissions (4):

Labcorp Genetics (formerly Invitae), Labcorp
Classification: Pathogenic for Osteogenesis imperfecta type 8. Last evaluated: 2024-02-06. Review status: criteria provided, single submitter. Criteria: Invitae Variant Classification Sherloc (09022015). Collection method: clinical testing. Allele origin: germline.
Comment: This sequence change creates a premature translational stop signal (p.Arg368*) in the P3H1 gene. It is expected to result in an absent or disrupted protein product. Loss-of-function variants in P3H1 are known to be pathogenic (PMID: 17277775, 18566967, 19088120, 22281939). This variant is present in population databases (rs118203996, gnomAD 0.002%). This premature translational stop signal has been observed in individual(s) with osteogenesis imperfecta (PMID: 19088120, 27509835). ClinVar contains an entry for this variant (Variation ID: 1258). For these reasons, this variant has been classified as Pathogenic.

Genome-Nilou Lab
Classification: Pathogenic for Osteogenesis imperfecta type 8. Last evaluated: 2023-04-11. Review status: criteria provided, single submitter. Criteria: ACMG Guidelines, 2015. Collection method: clinical testing. Allele origin: germline. Affected: no.

Center for Pediatric Genomic Medicine, Children's Mercy Hospital and Clinics
Classification: Pathogenic. Last evaluated: 2014-10-02. Review status: criteria provided, single submitter. Criteria: ACMG Guidelines, 2015. Collection method: clinical testing. Allele origin: germline.

OMIM
Classification: Pathogenic for OSTEOGENESIS IMPERFECTA, TYPE VIII. Last evaluated: 2009-04-01. Review status: no assertion criteria provided. Collection method: literature only. Allele origin: germline. Not counted in ClinVar's aggregate classification.

Literature cited by the submitters: PubMed 17277775 (cited by Labcorp Genetics (formerly Invitae), Labcorp); PubMed 18566967 (cited by Labcorp Genetics (formerly Invitae), Labcorp); PubMed 19088120 (cited by Labcorp Genetics (formerly Invitae), Labcorp and OMIM); PubMed 22281939 (cited by Labcorp Genetics (formerly Invitae), Labcorp); PubMed 27509835 (cited by Labcorp Genetics (formerly Invitae), Labcorp).

NM_022356.4(P3H1):c.1102C>T (p.Arg368Ter)

Gene: P3H1 (prolyl 3-hydroxylase 1; minus strand). Cytogenetic location: 1p34.2.
Variant type: single nucleotide variant.
Coding change: c.1102C>T on transcript NM_022356.4 (MANE Select); coding-DNA position 1102, C replaced by T.
Protein change: p.Arg368Ter; replaces arginine 368 with a stop codon.
Molecular consequence: nonsense.
Genome position (GRCh38, 1-based): chr1:42,755,616, G>A on the plus strand (C>T on the coding strand, the complement: P3H1 is on the minus strand). VCF-style: chr1-42755616-G-A. GRCh37 (hg19) VCF-style: chr1-43221287-G-A.
Other names: P3H1, ARG368TER; c.1102C>T, p.Arg368Ter (NM_001146289.2, NM_001243246.2); short protein forms R368*.
Identifiers: ClinVar variation 1258 (VCV000001258.12), dbSNP rs118203996, ClinGen allele CA114888.
Genomic context (GRCh38, chr1:42,755,616, plus strand): 5'-CAAAGGGAATTCCAAAAACATCATAAGCGAAGAAAAGCAGTTCTTTTTCCAGTAGGCTTC[G>A]CTGTCGGTACTCCTTGGCACTCTGAGGGTAAAAAAGCAAACAAATCCCCCAGAACTCAGC-3'